The following is an entry in ClinVar:

NM_004168.4(SDHA):c.569G>C (p.Cys190Ser)

Gene: SDHA (succinate dehydrogenase complex flavoprotein subunit A; plus strand). Cytogenetic location: 5p15.33.
Variant type: single nucleotide variant.
Coding change: c.569G>C on transcript NM_004168.4 (MANE Select); coding-DNA position 569, G replaced by C.
Protein change: p.Cys190Ser; replaces cysteine 190 with serine.
Molecular consequence: missense variant.
Genome position (GRCh38, 1-based): chr5:225,995, G>C. VCF-style: chr5-225995-G-C. GRCh37 (hg19) VCF-style: chr5-226110-G-C.
Other names: c.425G>C, p.Cys142Ser (NM_001294332.2); c.569G>C, p.Cys190Ser (NM_001330758.2); short protein forms C142S, C190S.
Identifiers: ClinVar variation 5029213 (VCV005029213.1).

ClinVar aggregate classification (germline): Uncertain significance (1 of 4 stars; one submission).

Conditions:
Hereditary cancer-predisposing syndrome. Also called: Neoplastic Syndromes, Hereditary; Tumor predisposition; Hereditary neoplastic syndrome; Hereditary Cancer Syndrome. Identifiers: Orphanet 140162, MedGen C0027672, MeSH D009386, MONDO:0015356.

Submission:

Ambry Genetics
Classification: Uncertain significance for Hereditary cancer-predisposing syndrome. Last evaluated: 2026-09-11. Review status: criteria provided, single submitter. Criteria: Ambry Variant Classification Scheme 2023. Collection method: clinical testing. Allele origin: germline.
Comment: The p.C190S variant (also known as c.569G>C), located in coding exon 5 of the SDHA gene, results from a G to C substitution at nucleotide position 569. The cysteine at codon 190 is replaced by serine, an amino acid with dissimilar properties. This amino acid position is highly conserved in available vertebrate species. In addition, this alteration is predicted to be deleterious by in silico analysis. Based on the available evidence, the clinical significance of this variant remains unclear.